The following is an entry in ClinVar:

NM_138477.4(CDAN1):c.3389C>T (p.Pro1130Leu)

Gene: CDAN1 (codanin 1; minus strand). Cytogenetic location: 15q15.2.
Variant type: single nucleotide variant.
Coding change: c.3389C>T on transcript NM_138477.4 (MANE Select); coding-DNA position 3389, C replaced by T.
Protein change: p.Pro1130Leu; replaces proline 1130 with leucine.
Molecular consequence: missense variant.
Genome position (GRCh38, 1-based): chr15:42,725,550, G>A on the plus strand (C>T on the coding strand, the complement: CDAN1 is on the minus strand). VCF-style: chr15-42725550-G-A. GRCh37 (hg19) VCF-style: chr15-43017748-G-A.
Other names: P1129L; c.3389C>T, p.Pro1130Leu (LRG_1164t1); short protein forms P1130L.
Identifiers: ClinVar variation 3177 (VCV000003177.23), dbSNP rs80338699, ClinGen allele CA342455.

ClinVar aggregate classification (germline): Pathogenic/Likely pathogenic. Review status: criteria provided, multiple submitters, no conflicts (2 of 4 stars). 8 submissions from 8 submitters: Pathogenic (4); Likely pathogenic (1). 3 of the submissions do not count toward it. Last evaluated 2024-10-09.

Conditions:
Anemia, congenital dyserythropoietic, type 1a (CDAN1A). Also called: DYSERYTHROPOIETIC ANEMIA, CONGENITAL, TYPE Ia; CDAN1-Related Congenital Dyserythropoietic Anemia. Identifiers: MedGen C5574667, MONDO:0009135, OMIM 224120.
Congenital dyserythropoietic anemia, type I. Also called: Dyserythropoietic anemia, congenital type 1. Identifiers: Orphanet 98869, MedGen C0271933, MONDO:0020337. Disease mechanism: loss of function.

Allele frequency attached by ClinVar (database versions not stated): TOPMed 0.00005; gnomAD 0.00006 and 0.00005; gnomAD exomes 0.00002; ExAC 0.00002.
gnomAD v4.1: 43 of 1,614,028 alleles (0.0027%); highest among the groups gnomAD compares: African/African-American, 0.0067%; no homozygotes.

Submissions (8):

Revvity Omics, Revvity
Classification: Pathogenic for Anemia, congenital dyserythropoietic, type 1a. Last evaluated: 2024-10-09. Review status: criteria provided, single submitter. Criteria: ACMG Guidelines, 2015. Collection method: clinical testing. Allele origin: germline.

Labcorp Genetics (formerly Invitae), Labcorp
Classification: Pathogenic. Last evaluated: 2024-03-12. Review status: criteria provided, single submitter. Criteria: Invitae Variant Classification Sherloc (09022015). Collection method: clinical testing. Allele origin: germline.
Comment: This sequence change replaces proline, which is neutral and non-polar, with leucine, which is neutral and non-polar, at codon 1130 of the CDAN1 protein (p.Pro1130Leu). This variant is present in population databases (rs80338699, gnomAD 0.006%). This missense change has been observed in individual(s) with clinical features of congenital dyserythropoietic anemia (PMID: 28102861, 29031773, 29676459, 29936674, 33401150). In at least one individual the data is consistent with being in trans (on the opposite chromosome) from a pathogenic variant. ClinVar contains an entry for this variant (Variation ID: 3177). An algorithm developed to predict the effect of missense changes on protein structure and function (PolyPhen-2) suggests that this variant is likely to be disruptive. For these reasons, this variant has been classified as Pathogenic.

Fulgent Genetics
Classification: Pathogenic for Anemia, congenital dyserythropoietic, type 1a. Last evaluated: 2024-02-05. Review status: criteria provided, single submitter. Criteria: ACMG Guidelines, 2015. Collection method: clinical testing. Allele origin: germline.

Mayo Clinic Laboratories, Mayo Clinic
Classification: Likely pathogenic. Last evaluated: 2023-08-04. Review status: criteria provided, single submitter. Criteria: ACMG Guidelines, 2015. Collection method: clinical testing. Allele origin: germline.
Comment: PP3, PM2_moderate, PM3, PS4

Institute of Medical Genetics and Applied Genomics, University Hospital Tübingen
Classification: Pathogenic. Last evaluated: 2020-10-23. Review status: criteria provided, single submitter. Criteria: ACMG Guidelines, 2015. Collection method: clinical testing. Allele origin: germline. Inheritance: Autosomal recessive inheritance. Affected: yes.

Equipe Genetique des Anomalies du Developpement, Université de Bourgogne
Classification: Pathogenic for Anemia, congenital dyserythropoietic, type 1a. Last evaluated: 2019-05-14. Review status: no assertion criteria provided. Criteria: ACMG Guidelines, 2015. Collection method: clinical testing. Allele origin: paternal. Affected: yes. Not counted in ClinVar's aggregate classification.

OMIM
Classification: Pathogenic for ANEMIA, CONGENITAL DYSERYTHROPOIETIC, TYPE Ia. Last evaluated: 2002-12-01. Review status: no assertion criteria provided. Collection method: literature only. Allele origin: germline. Not counted in ClinVar's aggregate classification.

GeneReviews
No classification provided. Condition: Congenital dyserythropoietic anemia, type I. Review status: no classification provided. Collection method: literature only. Allele origin: unknown. Not counted in ClinVar's aggregate classification.

Literature cited by the submitters: PubMed 28102861 (cited by Labcorp Genetics (formerly Invitae), Labcorp and Mayo Clinic Laboratories, Mayo Clinic); PubMed 29031773 (cited by Labcorp Genetics (formerly Invitae), Labcorp and Mayo Clinic Laboratories, Mayo Clinic); PubMed 29676459 (cited by Labcorp Genetics (formerly Invitae), Labcorp and Mayo Clinic Laboratories, Mayo Clinic); PubMed 29936674 (cited by Labcorp Genetics (formerly Invitae), Labcorp and Mayo Clinic Laboratories, Mayo Clinic); PubMed 33401150 (cited by Labcorp Genetics (formerly Invitae), Labcorp and Mayo Clinic Laboratories, Mayo Clinic); PubMed 12434312 (cited by 3 submitters); PubMed 24196372 (cited by Mayo Clinic Laboratories, Mayo Clinic); PubMed 28755517 (cited by Mayo Clinic Laboratories, Mayo Clinic); PubMed 30836435 (cited by Mayo Clinic Laboratories, Mayo Clinic); PubMed 34782754 (cited by Mayo Clinic Laboratories, Mayo Clinic and Equipe Genetique des Anomalies du Developpement, Université de Bourgogne); PubMed 20301759 (cited by GeneReviews); NCBI Bookshelf NBK5313 (cited by GeneReviews).